The following is an entry in ClinVar:

NM_206933.4(USH2A):c.2532_2535del (p.Pro846fs)

Genes: USH2A (usherin; minus strand), LOC122152296 (Sharpr-MPRA regulatory region 8762; plus strand). Cytogenetic location: 1q41.
Variant type: Microsatellite.
Coding change: c.2532_2535del on transcript NM_206933.4 (MANE Select); coding-DNA positions 2532 to 2535, 4 bases deleted (TCTG; older notation c.2532_2535delTCTG).
Protein change: p.Pro846fs; shifts the reading frame from proline 846.
Molecular consequence: frameshift variant.
Genome position (GRCh38, 1-based): chr1:216,246,859-216,246,862, CAGA deleted on the plus strand (TCTG on the coding strand, the reverse complement: USH2A is on the minus strand); deleting any 4 consecutive bases within chr1:216,246,859-216,246,866 gives the same sequence; the c. name uses the placement nearest the transcript's 3' end. VCF-style (leftmost placement, unchanged base first): chr1-216246858-GCAGA-G. GRCh37 (hg19) VCF-style: chr1-216420200-GCAGA-G.
Other names: c.2532_2535del, p.Pro846fs (NM_007123.6); short protein forms P846fs.
Identifiers: ClinVar variation 2758984 (VCV002758984.4), dbSNP rs2528162327, ClinGen allele CA2586964549.

ClinVar aggregate classification (germline): Pathogenic/Likely pathogenic. Review status: criteria provided, multiple submitters, no conflicts (2 of 4 stars). 2 submissions from 2 submitters: Pathogenic (1); Likely pathogenic (1). Last evaluated 2023-09-08.

Conditions:
USH2A-related disorder. Also called: USH2A-related disorders; USH2A-related condition. Identifiers: MedGen CN239332.

Submissions (2):

Labcorp Genetics (formerly Invitae), Labcorp
Classification: Pathogenic. Last evaluated: 2023-09-08. Review status: criteria provided, single submitter. Criteria: Invitae Variant Classification Sherloc (09022015). Collection method: clinical testing. Allele origin: germline.
Comment: This variant is not present in population databases (gnomAD no frequency). For these reasons, this variant has been classified as Pathogenic. This premature translational stop signal has been observed in individual(s) with clinical features of retinitis pigmentosa (PMID: 36314366). This sequence change creates a premature translational stop signal (p.Pro846Alafs*9) in the USH2A gene. It is expected to result in an absent or disrupted protein product. Loss-of-function variants in USH2A are known to be pathogenic (PMID: 10729113, 10909849, 20507924, 25649381).

Blueprint Genetics
Classification: Likely pathogenic for USH2A-related disorders. Last evaluated: 2020-11-30. Review status: criteria provided, single submitter. Criteria: ACMG Guidelines, 2015. Collection method: clinical testing. Allele origin: germline. Affected: yes. Observed: 1 variant allele.

Literature cited by the submitters: PubMed 36314366 (cited by Labcorp Genetics (formerly Invitae), Labcorp); PubMed 10729113 (cited by Labcorp Genetics (formerly Invitae), Labcorp); PubMed 10909849 (cited by Labcorp Genetics (formerly Invitae), Labcorp); PubMed 20507924 (cited by Labcorp Genetics (formerly Invitae), Labcorp); PubMed 25649381 (cited by Labcorp Genetics (formerly Invitae), Labcorp).